The following is an entry in ClinVar:

ClinVar aggregate classification (germline): Conflicting classifications of pathogenicity. Review status: criteria provided, conflicting classifications (1 of 4 stars). 2 submissions from 2 submitters: Likely pathogenic (1); Uncertain significance (1). Last evaluated 2024-01-05.

Conditions:
Poirier-Bienvenu neurodevelopmental syndrome (POBINDS). Identifiers: Orphanet 689397, MedGen C5231482, MONDO:0032889, OMIM 618732.

Submissions (2):

GeneDx
Classification: Likely pathogenic. Last evaluated: 2024-01-05. Review status: criteria provided, single submitter. Criteria: GeneDx Variant Classification Process June 2021. Collection method: clinical testing. Allele origin: germline. Affected: yes.
Comment: Not observed at significant frequency in large population cohorts (gnomAD); In silico analysis supports that this missense variant has a deleterious effect on protein structure/function; Has not been previously published as pathogenic or benign to our knowledge; This variant is associated with the following publications: (PMID: 36310603, 35774559)

Institute of Human Genetics, University of Leipzig Medical Center
Classification: Uncertain significance for Poirier-Bienvenu neurodevelopmental syndrome. Last evaluated: 2021-03-23. Review status: criteria provided, single submitter. Criteria: ACMG Guidelines, 2015. Collection method: clinical testing. Allele origin: de novo, unknown. Affected: yes.
Comment: Despite strong evidence for its pathogenicity, this variant has to be classified as of unknown significance, according to the ACMG-criteria (Richards et al., 2015)

NM_001320.7(CSNK2B):c.491C>G (p.Pro164Arg)

Gene: CSNK2B (casein kinase 2 beta; plus strand). Cytogenetic location: 6p21.33.
Variant type: single nucleotide variant.
Coding change: c.491C>G on transcript NM_001320.7 (MANE Select); coding-DNA position 491, C replaced by G.
Protein change: p.Pro164Arg; replaces proline 164 with arginine.
Molecular consequence: missense variant.
Genome position (GRCh38, 1-based): chr6:31,669,442, C>G. VCF-style: chr6-31669442-C-G. GRCh37 (hg19) VCF-style: chr6-31637219-C-G.
Other names: c.482C>G, p.Pro161Arg (NM_001282385.2); short protein forms P161R, P164R.
Identifiers: ClinVar variation 1285551 (VCV001285551.2), dbSNP rs2151188947, ClinGen allele CA363477263.